The following is an entry in ClinVar:

ClinVar aggregate classification (germline): Conflicting classifications of pathogenicity. Review status: criteria provided, conflicting classifications (1 of 4 stars). 4 submissions from 4 submitters: Uncertain significance (1); Likely benign (3). Last evaluated 2024-03-07.

Conditions:
Bethlem myopathy 1A. Also called: MYOPATHY, BENIGN CONGENITAL, WITH CONTRACTURES; Bethlem myopathy 1; Bethlem Muscular Dystrophy. Identifiers: Orphanet 610, MedGen CN029274, MONDO:0024530, OMIM 158810.

Allele frequency attached by ClinVar (database versions not stated): TOPMed 0.00004; gnomAD 0.00010.
gnomAD v4.1: 33 of 1,614,122 alleles (0.002%); highest among the groups gnomAD compares: African/African-American, 0.0027%; no homozygotes.

Submissions (4):

Labcorp Genetics (formerly Invitae), Labcorp
Classification: Likely benign for Bethlem myopathy 1A. Last evaluated: 2024-03-07. Review status: criteria provided, single submitter. Criteria: Invitae Variant Classification Sherloc (09022015). Collection method: clinical testing. Allele origin: germline.

Athena Diagnostics
Classification: Likely benign. Last evaluated: 2018-09-14. Review status: criteria provided, single submitter. Criteria: Athena Diagnostics Criteria. Collection method: clinical testing. Allele origin: germline.

GeneDx
Classification: Likely benign. Last evaluated: 2017-11-09. Review status: criteria provided, single submitter. Criteria: GeneDx Variant Classification (06012015). Collection method: clinical testing. Allele origin: germline. Affected: yes.
Comment: This variant is considered likely benign or benign based on one or more of the following criteria: it is a conservative change, it occurs at a poorly conserved position in the protein, it is predicted to be benign by multiple in silico algorithms, and/or has population frequency not consistent with disease.

Eurofins Ntd Llc (ga)
Classification: Uncertain significance. Last evaluated: 2017-10-27. Review status: criteria provided, single submitter. Criteria: EGL Classification Definitions 2015. Collection method: clinical testing. Allele origin: germline. Observed: 1 variant allele, 1 heterozygote.

NM_004369.4(COL6A3):c.543T>C (p.Asp181=)

Gene: COL6A3 (collagen type VI alpha 3 chain; minus strand). Cytogenetic location: 2q37.3.
Variant type: single nucleotide variant.
Coding change: c.543T>C on transcript NM_004369.4 (MANE Select); coding-DNA position 543, T replaced by C.
Protein change: p.Asp181=; no amino-acid change (aspartic acid 181 retained).
Molecular consequence: synonymous variant. On other transcripts: intron variant (4).
Genome position (GRCh38, 1-based): chr2:237,394,753, A>G on the plus strand (T>C on the coding strand, the complement: COL6A3 is on the minus strand). VCF-style: chr2-237394753-A-G. GRCh37 (hg19) VCF-style: chr2-238303396-A-G.
Other names: c.91+1974T>C (NM_057166.5, NM_057167.4, NM_057164.5 and 1 more transcripts).
Identifiers: ClinVar variation 513227 (VCV000513227.15), dbSNP rs898779231, ClinGen allele CA67841889.